The following is an entry in ClinVar:

NM_020533.3(MCOLN1):c.405+2T>C

Gene: MCOLN1 (mucolipin TRP cation channel 1; plus strand). Cytogenetic location: 19p13.2.
Variant type: single nucleotide variant.
Coding change: c.405+2T>C on transcript NM_020533.3 (MANE Select); the canonical splice donor site of the intron after coding-DNA position 405, T replaced by C.
Molecular consequence: splice donor variant.
Genome position (GRCh38, 1-based): chr19:7,526,608, T>C. VCF-style: chr19-7526608-T-C. GRCh37 (hg19) VCF-style: chr19-7591494-T-C.
Identifiers: ClinVar variation 1468549 (VCV001468549.8), dbSNP rs2146022577, ClinGen allele CA403081032.

ClinVar aggregate classification (germline): Pathogenic (1 of 4 stars; one submission).

Conditions:
Mucolipidosis type IV (ML4). Also called: ML IV. Identifiers: Orphanet 578, MedGen C0238286, MONDO:0009653, OMIM 252650.

Submission:

Labcorp Genetics (formerly Invitae), Labcorp
Classification: Pathogenic for Mucolipidosis type IV. Last evaluated: 2022-10-28. Review status: criteria provided, single submitter. Criteria: Invitae Variant Classification Sherloc (09022015). Collection method: clinical testing. Allele origin: germline.
Comment: This sequence change affects a donor splice site in intron 3 of the MCOLN1 gene. It is expected to disrupt RNA splicing. Variants that disrupt the donor or acceptor splice site typically lead to a loss of protein function (PMID: 16199547), and loss-of-function variants in MCOLN1 are known to be pathogenic (PMID: 11030752, 11317355). This variant is not present in population databases (gnomAD no frequency). Disruption of this splice site has been observed in individual(s) with MCOLN1-related conditions (PMID: 31578829, 31618753). In at least one individual the data is consistent with being in trans (on the opposite chromosome) from a pathogenic variant. ClinVar contains an entry for this variant (Variation ID: 1468549). Algorithms developed to predict the effect of sequence changes on RNA splicing suggest that this variant may disrupt the consensus splice site. For these reasons, this variant has been classified as Pathogenic.

Literature cited by the submitters: PubMed 16199547; PubMed 11030752; PubMed 11317355; PubMed 31578829; PubMed 31618753.